The following is an entry in ClinVar:

ClinVar aggregate classification (germline): Likely benign. Review status: criteria provided, multiple submitters, no conflicts (2 of 4 stars). 3 submissions from 3 submitters: Likely benign (3). Last evaluated 2026-02-04.

Conditions:
Primary ciliary dyskinesia. Also called: Ciliary dyskinesia. Identifiers: Orphanet 244, MedGen C0008780, MONDO:0016575, HP:0012265.

Allele frequency attached by ClinVar (database versions not stated): gnomAD 0.00003; TOPMed 0.00007.
gnomAD v4.1: 78 of 1,596,744 alleles (0.0049%); highest among the groups gnomAD compares: Admixed American, 0.1%; no homozygotes.

Submissions (3):

Labcorp Genetics (formerly Invitae), Labcorp
Classification: Likely benign for Primary ciliary dyskinesia. Last evaluated: 2026-02-04. Review status: criteria provided, single submitter. Criteria: Invitae Variant Classification Sherloc (09022015). Collection method: clinical testing. Allele origin: germline.

Mayo Clinic Laboratories, Mayo Clinic
Classification: Likely benign. Last evaluated: 2025-05-26. Review status: criteria provided, single submitter. Criteria: ACMG Guidelines, 2015. Collection method: clinical testing. Allele origin: germline. Observed: 1 variant allele.
Comment: BP4, BP7

Blueprint Genetics
Classification: Likely benign. Last evaluated: 2022-10-29. Review status: criteria provided, single submitter. Criteria: ACMG Guidelines, 2015. Collection method: clinical testing. Allele origin: germline.

NM_017802.4(DNAAF5):c.1025-7G>A

Gene: DNAAF5 (dynein axonemal assembly factor 5; plus strand). Cytogenetic location: 7p22.3.
Variant type: single nucleotide variant.
Coding change: c.1025-7G>A on transcript NM_017802.4 (MANE Select); 7 bases into the intron before coding-DNA position 1025, G replaced by A.
Molecular consequence: intron variant.
Genome position (GRCh38, 1-based): chr7:754,582, G>A. VCF-style: chr7-754582-G-A. GRCh37 (hg19) VCF-style: chr7-794219-G-A.
Other names: p.?.
Identifiers: ClinVar variation 696784 (VCV000696784.13), dbSNP rs748574039, ClinGen allele CA4110575.